The following is an entry in ClinVar:

ClinVar aggregate classification (germline): Uncertain significance (1 of 4 stars; one submission).

Conditions:
Cardiovascular phenotype. Identifiers: MedGen CN230736.

Submission:

Ambry Genetics
Classification: Uncertain significance for Cardiovascular phenotype. Last evaluated: 2025-09-08. Review status: criteria provided, single submitter. Criteria: Ambry Variant Classification Scheme 2023. Collection method: clinical testing. Allele origin: germline.
Comment: The c.3795G>A variant (also known as p.E1265E), located in coding exon 33 of the MYBPC3 gene, results from a G to A substitution at nucleotide position 3795. This nucleotide substitution does not change the amino acid at codon 1265. This nucleotide position is well conserved in available vertebrate species. In silico splice site analysis for this alteration is inconclusive. Based on the available evidence, the clinical significance of this variant remains unclear.

NM_000256.3(MYBPC3):c.3795G>A (p.Glu1265=)

Gene: MYBPC3 (myosin binding protein C3; minus strand). Cytogenetic location: 11p11.2.
Variant type: single nucleotide variant.
Coding change: c.3795G>A on transcript NM_000256.3 (MANE Select); coding-DNA position 3795, G replaced by A.
Protein change: p.Glu1265=; no amino-acid change (glutamic acid 1265 retained).
Molecular consequence: synonymous variant.
Genome position (GRCh38, 1-based): chr11:47,332,091, C>T on the plus strand (G>A on the coding strand, the complement: MYBPC3 is on the minus strand). VCF-style: chr11-47332091-C-T. GRCh37 (hg19) VCF-style: chr11-47353642-C-T.
Identifiers: ClinVar variation 4114334 (VCV004114334.1).